The following is an entry in ClinVar:

ClinVar aggregate classification (germline): Uncertain significance (1 of 4 stars; one submission).

Conditions:
Griscelli syndrome type 2 (GS2). Also called: PAID SYNDROME; PARTIAL ALBINISM AND IMMUNODEFICIENCY SYNDROME; GRISCELLI SYNDROME WITH HEMOPHAGOCYTIC SYNDROME. Identifiers: Orphanet 381, Orphanet 79477, MedGen C1868679, MONDO:0011872, OMIM 607624.

Allele frequency attached by ClinVar (database versions not stated): gnomAD exomes below 0.00001.

Submission:

Labcorp Genetics (formerly Invitae), Labcorp
Classification: Uncertain significance for Griscelli syndrome type 2. Last evaluated: 2025-10-14. Review status: criteria provided, single submitter. Criteria: Invitae Variant Classification Sherloc (09022015). Collection method: clinical testing. Allele origin: germline.
Comment: This sequence change falls in intron 4 of the RAB27A gene. It does not directly change the encoded amino acid sequence of the RAB27A protein. It affects a nucleotide within the consensus splice site. This variant is present in population databases (no rsID available, gnomAD 0.006%). This variant has not been reported in the literature in individuals affected with RAB27A-related conditions. ClinVar contains an entry for this variant (Variation ID: 569432). Variants that disrupt the consensus splice site are a relatively common cause of aberrant splicing (PMID: 17576681, 9536098). Algorithms developed to predict the effect of sequence changes on RNA splicing suggest that this variant may disrupt the consensus splice site. In summary, the available evidence is currently insufficient to determine the role of this variant in disease. Therefore, it has been classified as a Variant of Uncertain Significance.

Literature cited by the submitters: PubMed 17576681; PubMed 9536098.

NM_183235.3(RAB27A):c.343+6del

Gene: RAB27A (RAB27A, member RAS oncogene family; minus strand). Cytogenetic location: 15q21.3.
Variant type: Deletion.
Coding change: c.343+6del on transcript NM_183235.3 (MANE Select); 6 bases into the intron after coding-DNA position 343, one base deleted (T; older notation c.343+6delT).
Molecular consequence: intron variant.
Genome position (GRCh38, 1-based): chr15:55,228,603, A deleted on the plus strand (T on the coding strand, the reverse complement: RAB27A is on the minus strand). VCF-style (leftmost placement, unchanged base first): chr15-55228602-CA-C. GRCh37 (hg19) VCF-style: chr15-55520800-CA-C.
Other names: c.343+6del (NM_001438977.1, NM_001438975.1, NM_001438976.1 and 12 more transcripts).
Identifiers: ClinVar variation 569432 (VCV000569432.11), dbSNP rs1277146219, ClinGen allele CA618059528.